The following is an entry in ClinVar:

NM_001354712.2(THRB):c.1347dup (p.Leu450fs)

Gene: THRB (thyroid hormone receptor beta; minus strand). Cytogenetic location: 3p24.2.
Variant type: Duplication.
Coding change: c.1347dup on transcript NM_001354712.2 (MANE Select); coding-DNA position 1347, one base duplicated (A; older notation c.1347dupA).
Protein change: p.Leu450fs; shifts the reading frame from leucine 450.
Molecular consequence: frameshift variant.
Genome position (GRCh38, 1-based): chr3:24,122,923, T duplicated on the plus strand (A on the coding strand, the reverse complement: THRB is on the minus strand); the first of 2 consecutive T bases (chr3:24,122,923-24,122,924); duplicating either gives the same sequence. VCF-style (leftmost placement, unchanged base first): chr3-24122922-G-GT. GRCh37 (hg19) VCF-style: chr3-24164413-G-GT.
Other names: c.1347dup, p.Leu450fs (NM_000461.5, NM_001128176.3, NM_001128177.2 and 11 more transcripts); c.1254dup, p.Leu419fs (NM_001354714.2, NM_001354715.2); c.1176dup, p.Leu393fs (NM_001374827.1); short protein forms L393fs, L419fs, L450fs.
Identifiers: ClinVar variation 3338579 (VCV003338579.1).

ClinVar aggregate classification (germline): Likely pathogenic (1 of 4 stars; one submission).

Conditions:
Thyroid hormone resistance, generalized, autosomal dominant (GRTHD). Also called: HYPERTHYROXINEMIA, FAMILIAL EUTHYROID, SECONDARY TO PITUITARY AND PERIPHERAL RESISTANCE TO THYROID HORMONES. Identifiers: MedGen C2937288, MONDO:0008569, OMIM 188570.

Submission:

Greenwood Genetic Center Diagnostic Laboratories, Greenwood Genetic Center
Classification: Likely pathogenic for Thyroid hormone resistance, generalized, autosomal dominant. Last evaluated: 2024-06-27. Review status: criteria provided, single submitter. Criteria: ACMG Guidelines, 2015. Collection method: clinical testing. Allele origin: germline. Affected: yes.
Comment: PVS1, PM2